The following is an entry in ClinVar:

NM_001430.5(EPAS1):c.2198C>T (p.Ser733Leu)

Gene: EPAS1 (endothelial PAS domain protein 1; plus strand). Cytogenetic location: 2p21.
Variant type: single nucleotide variant.
Coding change: c.2198C>T on transcript NM_001430.5 (MANE Select); coding-DNA position 2198, C replaced by T.
Protein change: p.Ser733Leu; replaces serine 733 with leucine.
Molecular consequence: missense variant.
Genome position (GRCh38, 1-based): chr2:46,382,000, C>T. VCF-style: chr2-46382000-C-T. GRCh37 (hg19) VCF-style: chr2-46609139-C-T.
Other names: short protein forms S733L.
Identifiers: ClinVar variation 1787518 (VCV001787518.3), dbSNP rs2546480059, ClinGen allele CA346705745.

ClinVar aggregate classification (germline): Uncertain significance (1 of 4 stars; one submission).

Conditions:
Inborn genetic diseases. Identifiers: MedGen C0950123, MeSH D030342.

Allele frequency attached by ClinVar (database versions not stated): gnomAD exomes below 0.00001.
gnomAD v4.1: 1 of 1,614,040 alleles (0.000062%); highest among the groups gnomAD compares: Non-Finnish European, 0.000085%; no homozygotes.

Submission:

Ambry Genetics
Classification: Uncertain significance for Inborn genetic diseases. Last evaluated: 2024-08-12. Review status: criteria provided, single submitter. Criteria: Ambry Variant Classification Scheme 2023. Collection method: clinical testing. Allele origin: germline.
Comment: The p.S733L variant (also known as c.2198C>T), located in coding exon 14 of the EPAS1 gene, results from a C to T substitution at nucleotide position 2198. The serine at codon 733 is replaced by leucine, an amino acid with dissimilar properties. This amino acid position is conserved. In addition, this alteration is predicted to be tolerated by in silico analysis. Since supporting evidence is limited at this time, the clinical significance of this alteration remains unclear.